The following is an entry in ClinVar:

NM_004281.4(BAG3):c.1678T>A (p.Ser560Thr)

Gene: BAG3 (BAG cochaperone 3; plus strand). Cytogenetic location: 10q26.11.
Variant type: single nucleotide variant.
Coding change: c.1678T>A on transcript NM_004281.4 (MANE Select); coding-DNA position 1678, T replaced by A.
Protein change: p.Ser560Thr; replaces serine 560 with threonine.
Molecular consequence: missense variant.
Genome position (GRCh38, 1-based): chr10:119,677,232, T>A. VCF-style: chr10-119677232-T-A. GRCh37 (hg19) VCF-style: chr10-121436744-T-A.
Other names: short protein forms S560T.
Identifiers: ClinVar variation 2574007 (VCV002574007.3), dbSNP rs2494024931, ClinGen allele CA378297834.

ClinVar aggregate classification (germline): Uncertain significance (1 of 4 stars; one submission).

Conditions:
Long QT syndrome (LQTS). Identifiers: MedGen C0023976, MeSH D008133, MONDO:0002442. Disease mechanism: loss of function. Inheritance: Various modes of inheritance.

Submission:

Dept of Medical Biology, Uskudar University
Classification: Uncertain significance for Long QT syndrome. Last evaluated: 2024-01-08. Review status: criteria provided, single submitter. Criteria: Dept of Medical Biology Variant Classification. Collection method: research. Allele origin: unknown. Affected: yes. Observed: 1 variant allele.
Comment: Criteria: PM2, BP4